The following is an entry in ClinVar:

ClinVar aggregate classification (germline): Likely benign. Review status: criteria provided, single submitter (1 of 4 stars). 2 submissions from 2 submitters: Likely benign (1). 1 of the submissions does not count toward it. Last evaluated 2018-05-29.

Conditions:
VCP-related disorder. Also called: VCP-related condition; VCP-related disorders.

gnomAD v4.1: 3 of 1,614,020 alleles (0.00019%); highest among the groups gnomAD compares: African/African-American, 0.0013%; no homozygotes.

Submissions (2):

Labcorp Genetics (formerly Invitae), Labcorp
Classification: Likely benign. Last evaluated: 2018-05-29. Review status: criteria provided, single submitter. Criteria: Invitae Variant Classification Sherloc (09022015). Collection method: clinical testing. Allele origin: germline.

PreventionGenetics, part of Exact Sciences
Classification: Likely benign for VCP-related condition. Last evaluated: 2023-05-11. Review status: no assertion criteria provided. Collection method: clinical testing. Allele origin: germline. Not counted in ClinVar's aggregate classification.
Comment: This variant is classified as likely benign based on ACMG/AMP sequence variant interpretation guidelines (Richards et al. 2015 PMID: 25741868, with internal and published modifications).

NM_007126.5(VCP):c.426G>C (p.Ala142=)

Gene: VCP (valosin containing protein; minus strand). Cytogenetic location: 9p13.3.
Variant type: single nucleotide variant.
Coding change: c.426G>C on transcript NM_007126.5 (MANE Select); coding-DNA position 426, G replaced by C.
Protein change: p.Ala142=; no amino-acid change (alanine 142 retained).
Molecular consequence: synonymous variant.
Genome position (GRCh38, 1-based): chr9:35,066,694, C>G on the plus strand (G>C on the coding strand, the complement: VCP is on the minus strand). VCF-style: chr9-35066694-C-G. GRCh37 (hg19) VCF-style: chr9-35066691-C-G.
Other names: c.291G>C, p.Ala97= (NM_001354927.2, NM_001354928.2).
Identifiers: ClinVar variation 721729 (VCV000721729.5), dbSNP rs577812326, ClinGen allele CA192682492.